The following is an entry in ClinVar:

ClinVar aggregate classification (germline): Uncertain significance (1 of 4 stars; one submission).

Allele frequency attached by ClinVar (database versions not stated): ExAC 0.00001; gnomAD 0.00001; gnomAD exomes 0.00002; TOPMed 0.00004.
gnomAD v4.1: 9 of 1,611,162 alleles (0.00056%); highest among the groups gnomAD compares: Admixed American, 0.005%; no homozygotes.

Submission:

Labcorp Genetics (formerly Invitae), Labcorp
Classification: Uncertain significance. Last evaluated: 2021-12-02. Review status: criteria provided, single submitter. Criteria: Invitae Variant Classification Sherloc (09022015). Collection method: clinical testing. Allele origin: germline.
Comment: This sequence change replaces aspartic acid, which is acidic and polar, with asparagine, which is neutral and polar, at codon 789 of the PDE2A protein (p.Asp789Asn). This variant is present in population databases (rs773937555, gnomAD 0.006%). This variant has not been reported in the literature in individuals affected with PDE2A-related conditions. Algorithms developed to predict the effect of missense changes on protein structure and function (SIFT, PolyPhen-2, Align-GVGD) all suggest that this variant is likely to be tolerated. In summary, the available evidence is currently insufficient to determine the role of this variant in disease. Therefore, it has been classified as a Variant of Uncertain Significance.

NM_002599.5(PDE2A):c.2365G>A (p.Asp789Asn)

Gene: PDE2A (phosphodiesterase 2A; minus strand). Cytogenetic location: 11q13.4.
Variant type: single nucleotide variant.
Coding change: c.2365G>A on transcript NM_002599.5 (MANE Select); coding-DNA position 2365, G replaced by A.
Protein change: p.Asp789Asn; replaces aspartic acid 789 with asparagine.
Molecular consequence: missense variant.
Genome position (GRCh38, 1-based): chr11:72,579,001, C>T on the plus strand (G>A on the coding strand, the complement: PDE2A is on the minus strand). VCF-style: chr11-72579001-C-T. GRCh37 (hg19) VCF-style: chr11-72290045-C-T.
Other names: c.2344G>A, p.Asp782Asn (NM_001143839.4); c.2338G>A, p.Asp780Asn (NM_001146209.3); c.2302G>A, p.Asp768Asn (NM_001243784.2); short protein forms D768N, D780N, D782N, D789N.
Identifiers: ClinVar variation 1519639 (VCV001519639.8), dbSNP rs773937555, ClinGen allele CA6171870.